The following is an entry in ClinVar:

ClinVar aggregate classification (germline): Uncertain significance. Review status: criteria provided, multiple submitters, no conflicts (2 of 4 stars). 2 submissions from 2 submitters: Uncertain significance (2). Last evaluated 2025-06-10.

Conditions:
Inborn genetic diseases. Identifiers: MedGen C0950123, MeSH D030342.

Allele frequency attached by ClinVar (database versions not stated): gnomAD exomes below 0.00001.
gnomAD v4.1: 1 of 1,614,166 alleles (0.000062%); highest among the groups gnomAD compares: Non-Finnish European, 0.000085%; no homozygotes.

Submissions (2):

Mayo Clinic Laboratories, Mayo Clinic
Classification: Uncertain significance. Last evaluated: 2025-06-10. Review status: criteria provided, single submitter. Criteria: ACMG Guidelines, 2015. Collection method: clinical testing. Allele origin: germline. Observed: 1 variant allele.
Comment: PP3

Ambry Genetics
Classification: Uncertain significance for Inborn genetic diseases. Last evaluated: 2023-01-23. Review status: criteria provided, single submitter. Criteria: Ambry Variant Classification Scheme 2023. Collection method: clinical testing. Allele origin: germline.

NM_000053.4(ATP7B):c.3608C>T (p.Ala1203Val)

Gene: ATP7B (ATPase copper transporting beta; minus strand). Cytogenetic location: 13q14.3.
Variant type: single nucleotide variant.
Coding change: c.3608C>T on transcript NM_000053.4 (MANE Select); coding-DNA position 3608, C replaced by T.
Protein change: p.Ala1203Val; replaces alanine 1203 with valine.
Molecular consequence: missense variant.
Genome position (GRCh38, 1-based): chr13:51,939,142, G>A on the plus strand (C>T on the coding strand, the complement: ATP7B is on the minus strand). VCF-style: chr13-51939142-G-A. GRCh37 (hg19) VCF-style: chr13-52513278-G-A.
Other names: p.Ala1203Val; c.2987C>T, p.Ala996Val (NM_001005918.3); c.3275C>T, p.Ala1092Val (NM_001243182.2); c.3374C>T, p.Ala1125Val (NM_001330578.2); c.3356C>T, p.Ala1119Val (NM_001330579.2); c.3608C>T (NM_000053.3); short protein forms A1119V, A1203V, A996V, A1092V, A1125V.
Identifiers: ClinVar variation 2477812 (VCV002477812.3), dbSNP rs1593652348, ClinGen allele CA388024290.